The following is an entry in ClinVar:

ClinVar aggregate classification (germline): Uncertain significance (1 of 4 stars; one submission).

Conditions:
Short-rib thoracic dysplasia 10 with or without polydactyly (SRTD10). Identifiers: Orphanet 474, MedGen C3810175, MONDO:0014284, OMIM 615630.
Retinitis pigmentosa 71 (RP71). Identifiers: Orphanet 791, MedGen C4225342, MONDO:0014618, OMIM 616394.

Submission:

Labcorp Genetics (formerly Invitae), Labcorp
Classification: Uncertain significance for Retinitis pigmentosa 71; Short-rib thoracic dysplasia 10 with or without polydactyly. Last evaluated: 2022-05-13. Review status: criteria provided, single submitter. Criteria: Invitae Variant Classification Sherloc (09022015). Collection method: clinical testing. Allele origin: germline.
Comment: ClinVar contains an entry for this variant (Variation ID: 1040299). This sequence change replaces lysine, which is basic and polar, with arginine, which is basic and polar, at codon 1720 of the IFT172 protein (p.Lys1720Arg). This variant is not present in population databases (gnomAD no frequency). This variant has not been reported in the literature in individuals affected with IFT172-related conditions. Algorithms developed to predict the effect of missense changes on protein structure and function are either unavailable or do not agree on the potential impact of this missense change (SIFT: "Deleterious"; PolyPhen-2: "Possibly Damaging"; Align-GVGD: "Class C0"). Algorithms developed to predict the effect of sequence changes on RNA splicing suggest that this variant may disrupt the consensus splice site. In summary, the available evidence is currently insufficient to determine the role of this variant in disease. Therefore, it has been classified as a Variant of Uncertain Significance.

NM_015662.3(IFT172):c.5159A>G (p.Lys1720Arg)

Genes: IFT172 (intraflagellar transport 172; minus strand), KRTCAP3 (keratinocyte associated protein 3; plus strand). Cytogenetic location: 2p23.3.
Variant type: single nucleotide variant.
Coding change: c.5159A>G on transcript NM_015662.3 (MANE Select); coding-DNA position 5159, A replaced by G.
Protein change: p.Lys1720Arg; replaces lysine 1720 with arginine.
Molecular consequence: missense variant. On other transcripts: intron variant (1).
Genome position (GRCh38, 1-based): chr2:27,445,015, T>C on the plus strand (A>G on the coding strand, the complement: IFT172 is on the minus strand). VCF-style: chr2-27445015-T-C. GRCh37 (hg19) VCF-style: chr2-27667882-T-C.
Other names: c.5093A>G, p.Lys1698Arg (NM_001410739.1); c.*5+954T>C (NM_001168364.2); short protein forms K1720R, K1698R.
Identifiers: ClinVar variation 1040299 (VCV001040299.48), dbSNP rs755256585, ClinGen allele CA346412256.